The following is an entry in ClinVar:

NM_001023570.4(IQCB1):c.714T>C (p.Ala238=)

Gene: IQCB1 (IQ motif containing B1; minus strand). Cytogenetic location: 3q13.33.
Variant type: single nucleotide variant.
Coding change: c.714T>C on transcript NM_001023570.4 (MANE Select); coding-DNA position 714, T replaced by C.
Protein change: p.Ala238=; no amino-acid change (alanine 238 retained).
Molecular consequence: synonymous variant. On other transcripts: non-coding transcript variant (1), intron variant (1).
Genome position (GRCh38, 1-based): chr3:121,799,248, A>G on the plus strand (T>C on the coding strand, the complement: IQCB1 is on the minus strand). VCF-style: chr3-121799248-A-G. GRCh37 (hg19) VCF-style: chr3-121518095-A-G.
Other names: c.714T>C, p.Ala238= (NM_001319107.2); c.587+8096T>C (NM_001023571.4); c.714T>C (NM_001023570.3).
Identifiers: ClinVar variation 342780 (VCV000342780.11), dbSNP rs886057828, ClinGen allele CA10616894.
Genomic context (GRCh38, chr3:121,799,248, plus strand): 5'-TGTACTACCTTTGTAGCAGGTACTTTGTCTCAGTAAAATCAAAATTTCCTGATGGGATTC[A>G]GCCATCAACAGTAGGAGTTTTGTAGCAGTACTTCTTATAACTGGACTAGGAGTTGAAAAA-3'
Protein context (NP_001018864.2, residues 228-248): STATKLLLLM[Ala238=]ESHQEILILL

ClinVar aggregate classification (germline): Conflicting classifications of pathogenicity. Review status: criteria provided, conflicting classifications (1 of 4 stars). 4 submissions from 4 submitters: Uncertain significance (1); Likely benign (3). Last evaluated 2026-09-03.

Conditions:
Nephronophthisis. Also called: Juvenile Nephronophthisis. Identifiers: Orphanet 655, MedGen C0687120, MONDO:0019005, HP:0000090.
Senior-Loken syndrome 5 (SLSN5). Identifiers: Orphanet 3156, MedGen C1836517, MONDO:0012225, OMIM 609254.
IQCB1-related disorder. Also called: IQCB1-related condition.

Allele frequency attached by ClinVar (database versions not stated): gnomAD exomes 0.00001 and 0.00002; TOPMed 0.00002; gnomAD 0.00003.
gnomAD v4.1: 39 of 1,610,370 alleles (0.0024%); highest among the groups gnomAD compares: African/African-American, 0.004%; no homozygotes.

Submissions (4):

PreventionGenetics, part of Exact Sciences
Classification: Likely benign for IQCB1-related condition. Last evaluated: 2026-09-03. Review status: criteria provided, single submitter. Criteria: ACMG Guidelines, 2015. Collection method: clinical testing. Allele origin: germline.
Comment: This variant is classified as likely benign based on ACMG/AMP sequence variant interpretation guidelines (Richards et al. 2015 PMID: 25741868, with internal and published modifications).

Labcorp Genetics (formerly Invitae), Labcorp
Classification: Likely benign for Nephronophthisis. Last evaluated: 2023-05-04. Review status: criteria provided, single submitter. Criteria: Invitae Variant Classification Sherloc (09022015). Collection method: clinical testing. Allele origin: germline.

Blueprint Genetics
Classification: Likely benign. Last evaluated: 2021-09-11. Review status: criteria provided, single submitter. Criteria: ACMG Guidelines, 2015. Collection method: clinical testing. Allele origin: germline.

Illumina Laboratory Services, Illumina
Classification: Uncertain significance for Senior-Loken syndrome 5. Last evaluated: 2018-01-12. Review status: criteria provided, single submitter. Criteria: ICSL Variant Classification Criteria 13 December 2019. Collection method: clinical testing. Allele origin: germline.